The following is an entry in ClinVar:

NM_000081.4(LYST):c.9925+6G>A

Gene: LYST (lysosomal trafficking regulator; minus strand). Cytogenetic location: 1q42.3.
Variant type: single nucleotide variant.
Coding change: c.9925+6G>A on transcript NM_000081.4 (MANE Select); 6 bases into the intron after coding-DNA position 9925, G replaced by A.
Molecular consequence: intron variant.
Genome position (GRCh38, 1-based): chr1:235,712,051, C>T on the plus strand (G>A on the coding strand, the complement: LYST is on the minus strand). VCF-style: chr1-235712051-C-T. GRCh37 (hg19) VCF-style: chr1-235875351-C-T.
Other names: c.9925+6G>A (NM_001301365.1).
Identifiers: ClinVar variation 1430445 (VCV001430445.6), dbSNP rs1352434011, ClinGen allele CA529486755.

ClinVar aggregate classification (germline): Conflicting classifications of pathogenicity. Review status: criteria provided, conflicting classifications (1 of 4 stars). 2 submissions from 2 submitters: Uncertain significance (1); Likely benign (1). Last evaluated 2024-10-18.

Conditions:
Chédiak-Higashi syndrome (CHS). Also called: Chediak-Higashi Syndrome. Identifiers: Orphanet 167, MedGen C0007965, MONDO:0008963, OMIM 214500.

gnomAD v4.1: 9 of 1,528,698 alleles (0.00059%); highest among the groups gnomAD compares: South Asian, 0.0025%; no homozygotes.

Submissions (2):

Blueprint Genetics
Classification: Likely benign. Last evaluated: 2024-10-18. Review status: criteria provided, single submitter. Criteria: ACMG Guidelines, 2015. Collection method: clinical testing. Allele origin: germline.

Labcorp Genetics (formerly Invitae), Labcorp
Classification: Uncertain significance for Chédiak-Higashi syndrome. Last evaluated: 2024-02-24. Review status: criteria provided, single submitter. Criteria: Invitae Variant Classification Sherloc (09022015). Collection method: clinical testing. Allele origin: germline.
Comment: This sequence change falls in intron 43 of the LYST gene. It does not directly change the encoded amino acid sequence of the LYST protein. It affects a nucleotide within the consensus splice site. This variant is present in population databases (no rsID available, gnomAD 0.005%). This variant has not been reported in the literature in individuals affected with LYST-related conditions. ClinVar contains an entry for this variant (Variation ID: 1430445). Variants that disrupt the consensus splice site are a relatively common cause of aberrant splicing (PMID: 17576681, 9536098). Algorithms developed to predict the effect of sequence changes on RNA splicing suggest that this variant is not likely to affect RNA splicing. In summary, the available evidence is currently insufficient to determine the role of this variant in disease. Therefore, it has been classified as a Variant of Uncertain Significance.

Literature cited by the submitters: PubMed 17576681 (cited by Labcorp Genetics (formerly Invitae), Labcorp); PubMed 9536098 (cited by Labcorp Genetics (formerly Invitae), Labcorp).